The following is an entry in ClinVar:

NM_004656.4(BAP1):c.932-10C>G

Gene: BAP1 (BRCA1 associated deubiquitinase 1; minus strand). Cytogenetic location: 3p21.1.
Variant type: single nucleotide variant.
Coding change: c.932-10C>G on transcript NM_004656.4 (MANE Select); 10 bases into the intron before coding-DNA position 932, C replaced by G.
Molecular consequence: intron variant.
Genome position (GRCh38, 1-based): chr3:52,405,304, G>C on the plus strand (C>G on the coding strand, the complement: BAP1 is on the minus strand). VCF-style: chr3-52405304-G-C. GRCh37 (hg19) VCF-style: chr3-52439320-G-C.
Other names: c.932-10C>G (NM_004656.2).
Identifiers: ClinVar variation 2036764 (VCV002036764.6), dbSNP rs1705115631, ClinGen allele CA2580070277.

ClinVar aggregate classification (germline): Conflicting classifications of pathogenicity. Review status: criteria provided, conflicting classifications (1 of 4 stars). 2 submissions from 2 submitters: Likely pathogenic (1); Uncertain significance (1). Last evaluated 2024-10-11.

Conditions:
Hereditary cancer-predisposing syndrome. Also called: Neoplastic Syndromes, Hereditary; Hereditary Cancer Syndrome; Tumor predisposition; Hereditary neoplastic syndrome. Identifiers: Orphanet 140162, MedGen C0027672, MeSH D009386, MONDO:0015356.
BAP1-related tumor predisposition syndrome (TPDS1). Also called: COMMON Syndrome; BAP1 tumor predisposition syndrome; TUMOR PREDISPOSITION SYNDROME 1; Tumor susceptibility linked to germline BAP1 mutations. Identifiers: Orphanet 289539, MedGen C3280492, MONDO:0013692, OMIM 614327.

Submissions (2):

Ambry Genetics
Classification: Likely pathogenic for Hereditary cancer-predisposing syndrome. Last evaluated: 2024-10-11. Review status: criteria provided, single submitter. Criteria: Ambry Variant Classification Scheme 2023. Collection method: clinical testing. Allele origin: germline.
Comment: The c.932-10C>G intronic variant results from a C to G substitution 10 nucleotides upstream from coding exon 11 in the BAP1 gene. This nucleotide position is not well conserved in available vertebrate species. This variant has been observed in at least one individual with a personal and/or family history that is consistent with BAP1-associated disease (Ambry internal data). This alteration was non-functional in a high throughput genome editing haploid cell survival assay (Waters AJ et al. Nat Genet 2024 Jul;56(7):1434-1445). In silico splice site analysis predicts that this alteration may weaken the native splice acceptor site. RNA studies have demonstrated that this alteration results in abnormal splicing in the set of samples tested (Ambry internal data). Based on the majority of available evidence to date, this variant is likely to be pathogenic.

Labcorp Genetics (formerly Invitae), Labcorp
Classification: Uncertain significance for BAP1-related tumor predisposition syndrome. Last evaluated: 2022-10-25. Review status: criteria provided, single submitter. Criteria: Invitae Variant Classification Sherloc (09022015). Collection method: clinical testing. Allele origin: germline.
Comment: This sequence change falls in intron 10 of the BAP1 gene. It does not directly change the encoded amino acid sequence of the BAP1 protein. This variant is not present in population databases (gnomAD no frequency). This variant has not been reported in the literature in individuals affected with BAP1-related conditions. Algorithms developed to predict the effect of sequence changes on RNA splicing suggest that this variant may disrupt the consensus splice site. In summary, the available evidence is currently insufficient to determine the role of this variant in disease. Therefore, it has been classified as a Variant of Uncertain Significance.

Literature cited by the submitters: PubMed 38969833 (cited by Ambry Genetics).